The following is an entry in ClinVar:

NM_018972.4(GDAP1):c.844C>T (p.Arg282Cys)

Gene: GDAP1 (ganglioside induced differentiation associated protein 1; plus strand). Cytogenetic location: 8q21.11.
Variant type: single nucleotide variant.
Coding change: c.844C>T on transcript NM_018972.4 (MANE Select); coding-DNA position 844, C replaced by T.
Protein change: p.Arg282Cys; replaces arginine 282 with cysteine.
Molecular consequence: missense variant. On other transcripts: intron variant (1).
Genome position (GRCh38, 1-based): chr8:74,364,134, C>T. VCF-style: chr8-74364134-C-T. GRCh37 (hg19) VCF-style: chr8-75276369-C-T.
Other names: c.640C>T, p.Arg214Cys (NM_001040875.4); c.517C>T, p.Arg173Cys (NM_001362929.2, NM_001362932.2); c.670C>T, p.Arg224Cys (NM_001362930.2); c.694+1081C>T (NM_001362931.2); short protein forms R282C, R214C, R224C, R173C.
Identifiers: ClinVar variation 4195 (VCV000004195.18), dbSNP rs28937906, ClinGen allele CA116688.

ClinVar aggregate classification (germline): Pathogenic. Review status: criteria provided, multiple submitters, no conflicts (2 of 4 stars). 7 submissions from 7 submitters: Pathogenic (5). 2 of the submissions do not count toward it. Last evaluated 2025-10-08.

Conditions:
GDAP1-related disorder. Also called: GDAP1-related condition; GDAP1-related disorders.
Charcot-Marie-Tooth disease, axonal, with vocal cord paresis, autosomal recessive. Also called: CHARCOT-MARIE-TOOTH DISEASE, TYPE 4A, AXONAL FORM; CHARCOT-MARIE-TOOTH NEUROPATHY, AXONAL, WITH VOCAL CORD PARESIS, AUTOSOMAL RECESSIVE; CMT2 WITH VOCAL CORD PARESIS, AUTOSOMAL RECESSIVE. Identifiers: Orphanet 101097, MedGen C1843183, MONDO:0011898, OMIM 607706.
Charcot-Marie-Tooth disease recessive intermediate A (CMTRIA). Also called: CHARCOT-MARIE-TOOTH NEUROPATHY, RECESSIVE INTERMEDIATE A. Identifiers: Orphanet 217055, MedGen C1842197, MONDO:0012014, OMIM 608340.
Charcot-Marie-Tooth disease axonal type 2K (CMT2K). Also called: CHARCOT-MARIE-TOOTH DISEASE, AXONAL, AUTOSOMAL RECESSIVE, TYPE 2K; CHARCOT-MARIE-TOOTH NEUROPATHY, AXONAL, TYPE 2K; Charcot-Marie-Tooth disease type 2K. Identifiers: Orphanet 101097, Orphanet 99944, MedGen C1842983, MONDO:0011916, OMIM 607831.
Charcot-Marie-Tooth disease type 4A. Also called: Charcot-Marie-Tooth disease, demyelinating, autosomal recessive, type 4a. Identifiers: Orphanet 99948, MedGen C1859198, MONDO:0008961, OMIM 214400.

Allele frequency attached by ClinVar (database versions not stated): gnomAD 0.00001; gnomAD exomes 0.00001 and 0.00002; TOPMed 0.00002.

Submissions (7):

Labcorp Genetics (formerly Invitae), Labcorp
Classification: Pathogenic for Charcot-Marie-Tooth disease type 4A. Last evaluated: 2025-10-08. Review status: criteria provided, single submitter. Criteria: Invitae Variant Classification Sherloc (09022015). Collection method: clinical testing. Allele origin: germline.
Comment: This sequence change replaces arginine, which is basic and polar, with cysteine, which is neutral and slightly polar, at codon 282 of the GDAP1 protein (p.Arg282Cys). This variant is present in population databases (rs28937906, gnomAD 0.0009%). This missense change has been observed in individuals with autosomal recessive Charcot-Marie-Tooth disease (PMID: 12499475, 14561495, 18812441). It has also been observed to segregate with disease in related individuals. ClinVar contains an entry for this variant (Variation ID: 4195). Invitae Evidence Modeling of protein sequence and biophysical properties (such as structural, functional, and spatial information, amino acid conservation, physicochemical variation, residue mobility, and thermodynamic stability) indicates that this missense variant is expected to disrupt GDAP1 protein function with a positive predictive value of 80%. Experimental studies have shown that this missense change affects GDAP1 function (PMID: 21890626, 28220846). For these reasons, this variant has been classified as Pathogenic.

Blueprint Genetics
Classification: Pathogenic for GDAP1-related disorders. Last evaluated: 2024-07-08. Review status: criteria provided, single submitter. Criteria: ACMG Guidelines, 2015. Collection method: clinical testing. Allele origin: germline. Affected: yes. Observed: 1 variant allele.

GeneDx
Classification: Pathogenic. Last evaluated: 2024-02-29. Review status: criteria provided, single submitter. Criteria: GeneDx Variant Classification Process June 2021. Collection method: clinical testing. Allele origin: germline. Affected: yes.
Comment: Observed in the heterozygous state in an individual with CMT2 (PMID: 12566285); In silico analysis supports that this missense variant has a deleterious effect on protein structure/function; Not observed at significant frequency in large population cohorts (gnomAD); Published functional studies demonstrate that R282C delays the cell cycle, altering the ability of the GDAP1 protein to interact with its targets (PMID: 21890626); This variant is associated with the following publications: (PMID: 12499475, 14561495, 18812441, 18021315, 20232219, 34426522, 20685671, 20849849, 23628762, 28220846, 18421898, 22206013, 12566285, 21890626, 35316520, 34323022)

Fulgent Genetics
Classification: Pathogenic for Charcot-Marie-Tooth disease type 4A; Charcot-Marie-Tooth disease, axonal, with vocal cord paresis, autosomal recessive; Charcot-Marie-Tooth disease axonal type 2K; Charcot-Marie-Tooth disease recessive intermediate A. Last evaluated: 2022-01-05. Review status: criteria provided, single submitter. Criteria: ACMG Guidelines, 2015. Collection method: clinical testing. Allele origin: unknown.

Athena Diagnostics
Classification: Pathogenic. Last evaluated: 2019-03-22. Review status: criteria provided, single submitter. Criteria: Athena Diagnostics Criteria. Collection method: clinical testing. Allele origin: germline.
Comment: Frequency data from large databases are of low quality and therefore uninformative. Found in at least one symptomatic patient. Predicted to have a damaging effect on the protein. Damaging to protein function(s) relevant to disease mechanism. Strong co-segregation with disease, and data include affected and unaffected individuals from multiple families.

Inherited Neuropathy Consortium Ii, University Of Miami
Classification: Uncertain significance for Charcot-Marie-Tooth disease type 4A. Last evaluated: 2016-01-06. Review status: no assertion criteria provided. Collection method: literature only. Allele origin: germline. Affected: yes. Not counted in ClinVar's aggregate classification.

OMIM
Classification: Pathogenic for CHARCOT-MARIE-TOOTH DISEASE, RECESSIVE INTERMEDIATE A. Last evaluated: 2002-12-24. Review status: no assertion criteria provided. Collection method: literature only. Allele origin: germline. Not counted in ClinVar's aggregate classification.

Literature cited by the submitters: PubMed 12499475 (cited by 4 submitters); PubMed 14561495 (cited by Labcorp Genetics (formerly Invitae), Labcorp and Athena Diagnostics); PubMed 18812441 (cited by Labcorp Genetics (formerly Invitae), Labcorp); PubMed 21890626 (cited by Labcorp Genetics (formerly Invitae), Labcorp and Athena Diagnostics); PubMed 28220846 (cited by Labcorp Genetics (formerly Invitae), Labcorp and Athena Diagnostics); PubMed 16172208 (cited by Athena Diagnostics); PubMed 18021315 (cited by Athena Diagnostics); PubMed 12566285 (cited by Athena Diagnostics).